The following is an entry in ClinVar:

NM_152564.5(VPS13B):c.1269_1273del (p.Cys425fs)

Gene: VPS13B (vacuolar protein sorting 13 homolog B; plus strand). Cytogenetic location: 8q22.2.
Variant type: Deletion.
Coding change: c.1269_1273del on transcript NM_152564.5 (MANE Select); coding-DNA positions 1269 to 1273, 5 bases deleted (ATTGT; older notation c.1269_1273delATTGT).
Protein change: p.Cys425fs; shifts the reading frame from cysteine 425.
Molecular consequence: frameshift variant.
Genome position (GRCh38, 1-based): chr8:99,134,694-99,134,698, ATTGT deleted; deleting any 5 consecutive bases within chr8:99,134,692-99,134,698 gives the same sequence; the c. name uses the placement nearest the transcript's 3' end. VCF-style (leftmost placement, unchanged base first): chr8-99134691-AGTATT-A. GRCh37 (hg19) VCF-style: chr8-100146919-AGTATT-A.
Other names: c.1269_1273delATTGT (NM_017890.4); c.1269_1273del, p.Cys425fs (NM_015243.3, NM_017890.5); c.1269_1273del (NM_017890.3); short protein forms C425fs.
Identifiers: ClinVar variation 56647 (VCV000056647.3), dbSNP rs386834072, ClinGen allele CA264039.

ClinVar aggregate classification (germline): Pathogenic. Review status: criteria provided, single submitter (1 of 4 stars). 2 submissions from 2 submitters: Pathogenic (1). 1 of the submissions does not count toward it. Last evaluated 2024-02-20.

Conditions:
Cohen syndrome (COH1). Also called: PEPPER SYNDROME; Cutis verticis gyrata, retinitis pigmentosa, and sensorineural deafness. Identifiers: Orphanet 193, MedGen C0265223, MONDO:0008999, OMIM 216550.

Submissions (2):

GeneDx
Classification: Pathogenic. Last evaluated: 2024-02-20. Review status: criteria provided, single submitter. Criteria: GeneDx Variant Classification Process June 2021. Collection method: clinical testing. Allele origin: germline. Affected: yes.
Comment: Frameshift variant predicted to result in protein truncation or nonsense mediated decay in a gene for which loss of function is a known mechanism of disease; Not observed at significant frequency in large population cohorts (gnomAD); This variant is associated with the following publications: (PMID: 31589614, 19006247)

Juha Muilu Group; Institute for Molecular Medicine Finland (FIMM)
Classification: Likely pathogenic for Cohen syndrome. Review status: no assertion criteria provided. Collection method: not provided. Allele origin: unknown. Not counted in ClinVar's aggregate classification.
Comment: FinDis database variant: This variant was not found or characterized by our laboratory, data were collected from public sources: see reference
ClinVar note: Converted during submission from probable-pathogenic to Likely pathogenic.